The following is an entry in ClinVar:

NM_032634.4(PIGO):c.14C>T (p.Ser5Leu)

Gene: PIGO (phosphatidylinositol glycan anchor biosynthesis class O; minus strand). Cytogenetic location: 9p13.3.
Variant type: single nucleotide variant.
Coding change: c.14C>T on transcript NM_032634.4 (MANE Select); coding-DNA position 14, C replaced by T.
Protein change: p.Ser5Leu; replaces serine 5 with leucine.
Molecular consequence: missense variant.
Genome position (GRCh38, 1-based): chr9:35,095,552, G>A on the plus strand (C>T on the coding strand, the complement: PIGO is on the minus strand). VCF-style: chr9-35095552-G-A. GRCh37 (hg19) VCF-style: chr9-35095549-G-A.
Other names: c.14C>T, p.Ser5Leu (NM_001201484.2, NM_152850.4); short protein forms S5L.
Identifiers: ClinVar variation 1011097 (VCV001011097.8), dbSNP rs1829634211, ClinGen allele CA373325545.

ClinVar aggregate classification (germline): Uncertain significance (1 of 4 stars; one submission).

Conditions:
Hyperphosphatasia with impaired intellectual development syndrome 2. Also called: Hyperphosphatasia with intellectual disability syndrome 2; GLYCOSYLPHOSPHATIDYLINOSITOL BIOSYNTHESIS DEFECT 6. Identifiers: Orphanet 247262, MedGen C3553637, MONDO:0013882, OMIM 614749.

Submission:

Labcorp Genetics (formerly Invitae), Labcorp
Classification: Uncertain significance for Hyperphosphatasia with impaired intellectual development syndrome 2. Last evaluated: 2020-10-12. Review status: criteria provided, single submitter. Criteria: Invitae Variant Classification Sherloc (09022015). Collection method: clinical testing. Allele origin: germline.
Comment: In summary, the available evidence is currently insufficient to determine the role of this variant in disease. Therefore, it has been classified as a Variant of Uncertain Significance. Algorithms developed to predict the effect of missense changes on protein structure and function output the following: SIFT: "Tolerated"; PolyPhen-2: "Benign"; Align-GVGD: "Class C0". The leucine amino acid residue is found in multiple mammalian species, suggesting that this missense change does not adversely affect protein function. These predictions have not been confirmed by published functional studies and their clinical significance is uncertain. This variant has not been reported in the literature in individuals with PIGO-related conditions. This variant is not present in population databases (ExAC no frequency). This sequence change replaces serine with leucine at codon 5 of the PIGO protein (p.Ser5Leu). The serine residue is moderately conserved and there is a large physicochemical difference between serine and leucine.